The following is an entry in ClinVar:

NM_014141.6(CNTNAP2):c.851del (p.Gln284fs)

Gene: CNTNAP2 (contactin associated protein 2; plus strand). Cytogenetic location: 7q35.
Variant type: Deletion.
Coding change: c.851del on transcript NM_014141.6 (MANE Select); coding-DNA position 851, one base deleted (A; older notation c.851delA).
Protein change: p.Gln284fs; shifts the reading frame from glutamine 284.
Molecular consequence: frameshift variant.
Genome position (GRCh38, 1-based): chr7:147,121,075, A deleted. VCF-style (leftmost placement, unchanged base first): chr7-147121074-CA-C. GRCh37 (hg19) VCF-style: chr7-146818166-CA-C.
Other names: short protein forms Q284fs.
Identifiers: ClinVar variation 205304 (VCV000205304.1), dbSNP rs796052388, ClinGen allele CA314242.

ClinVar aggregate classification (germline): Pathogenic (1 of 4 stars; one submission).

Submission:

GeneDx
Classification: Pathogenic. Last evaluated: 2012-12-11. Review status: criteria provided, single submitter. Criteria: GeneDx Variant Classification (06012015). Collection method: clinical testing. Allele origin: germline. Affected: yes.
Comment: p.Gln284ArgfsX31 (Q284RfsX31) in exon 6 of the CNTNAP2 gene (NM_014141.4). The normal sequence with the base that is deleted in braces is CGCC{A}GGGG. The c.851delA mutation in the CNTNAP2 gene causes a frameshift starting with codon Glutamine 284, changes this amino acid to an Arginine residue and creates a premature Stop codon at position 31 of the new reading frame, denoted p.Gln284ArgfsX31. This mutation is predicted to cause loss of normal protein function either through protein truncation or nonsense-mediated mRNA decay. The variant is found in INFANT-EPI panel(s).